The following is an entry in ClinVar:

ClinVar aggregate classification (germline): Uncertain significance. Review status: criteria provided, multiple submitters, no conflicts (2 of 4 stars). 2 submissions from 2 submitters: Uncertain significance (2). Last evaluated 2024-12-02.

Allele frequency attached by ClinVar (database versions not stated): ExAC 0.00004; gnomAD exomes 0.00008 and 0.00018; TOPMed 0.00012; gnomAD 0.00013 and 0.00014; ESP Exome Variant Server 0.00015.
gnomAD v4.1: 277 of 1,614,056 alleles (0.017%); highest among the groups gnomAD compares: Non-Finnish European, 0.022%; no homozygotes.

Submissions (2):

Labcorp Genetics (formerly Invitae), Labcorp
Classification: Uncertain significance. Last evaluated: 2024-12-02. Review status: criteria provided, single submitter. Criteria: Invitae Variant Classification Sherloc (09022015). Collection method: clinical testing. Allele origin: germline.
Comment: This sequence change replaces leucine, which is neutral and non-polar, with valine, which is neutral and non-polar, at codon 397 of the IL6R protein (p.Leu397Val). This variant is present in population databases (rs137976773, gnomAD 0.02%). This variant has not been reported in the literature in individuals affected with IL6R-related conditions. ClinVar contains an entry for this variant (Variation ID: 1433555). An algorithm developed to predict the effect of missense changes on protein structure and function outputs the following: PolyPhen-2: "Benign". The valine amino acid residue is found in multiple mammalian species, which suggests that this missense change does not adversely affect protein function. In summary, the available evidence is currently insufficient to determine the role of this variant in disease. Therefore, it has been classified as a Variant of Uncertain Significance.

Ambry Genetics
Classification: Uncertain significance. Last evaluated: 2021-08-30. Review status: criteria provided, single submitter. Criteria: Ambry Variant Classification Scheme 2023. Collection method: clinical testing. Allele origin: germline.

NM_000565.4(IL6R):c.1189C>G (p.Leu397Val)

Gene: IL6R (interleukin 6 receptor; plus strand). Cytogenetic location: 1q21.3.
Variant type: single nucleotide variant.
Coding change: c.1189C>G on transcript NM_000565.4 (MANE Select); coding-DNA position 1189, C replaced by G.
Protein change: p.Leu397Val; replaces leucine 397 with valine.
Molecular consequence: missense variant. On other transcripts: synonymous variant (2).
Genome position (GRCh38, 1-based): chr1:154,465,162, C>G. VCF-style: chr1-154465162-C-G. GRCh37 (hg19) VCF-style: chr1-154437638-C-G.
Other names: c.1288C>G, p.Leu430Val (NM_001382769.1); c.1282C>G, p.Leu428Val (NM_001382770.1); c.1237C>G, p.Leu413Val (NM_001382771.1); c.1183C>G, p.Leu395Val (NM_001382772.1); c.1143C>G, p.Leu381= (NM_001382773.1); c.829C>G, p.Leu277Val (NM_001382774.1); c.1095C>G, p.Leu365= (NM_181359.3); c.1189C>G (NM_000565.3); short protein forms L277V, L428V, L413V, L430V, L395V, L397V.
Identifiers: ClinVar variation 1433555 (VCV001433555.5), dbSNP rs137976773, ClinGen allele CA1129317.
Genomic context (GRCh38, chr1:154,465,162, plus strand): 5'-TGTGTGGTTTGTCTTTGTGTGTTTGTGTGAAGGTTCAAGAAGACGTGGAAGCTGCGGGCT[C>G]TGAAGGAAGGCAAGACAAGCATGCATCCGCCGTACTCTTTGGGGCAGCTGGTCCCGGAGA-3'
Protein context (NP_000556.1, residues 387-407): RFKKTWKLRA[Leu397Val]KEGKTSMHPP